The following is an entry in ClinVar:

ClinVar aggregate classification (germline): Uncertain significance (1 of 4 stars; one submission).

Allele frequency attached by ClinVar (database versions not stated): ExAC 0.00001.
gnomAD v4.1: 7 of 1,612,186 alleles (0.00043%); highest among the groups gnomAD compares: East Asian, 0.0089%; no homozygotes.

Submission:

Labcorp Genetics (formerly Invitae), Labcorp
Classification: Uncertain significance. Last evaluated: 2023-03-14. Review status: criteria provided, single submitter. Criteria: Invitae Variant Classification Sherloc (09022015). Collection method: clinical testing. Allele origin: germline.
Comment: In summary, the available evidence is currently insufficient to determine the role of this variant in disease. Therefore, it has been classified as a Variant of Uncertain Significance. Advanced modeling of protein sequence and biophysical properties (such as structural, functional, and spatial information, amino acid conservation, physicochemical variation, residue mobility, and thermodynamic stability) performed at Invitae indicates that this missense variant is not expected to disrupt SPTBN2 protein function. This variant has not been reported in the literature in individuals affected with SPTBN2-related conditions. This variant is present in population databases (rs750561783, gnomAD 0.02%). This sequence change replaces alanine, which is neutral and non-polar, with threonine, which is neutral and polar, at codon 1352 of the SPTBN2 protein (p.Ala1352Thr).

NM_006946.4(SPTBN2):c.4054G>A (p.Ala1352Thr)

Gene: SPTBN2 (spectrin beta, non-erythrocytic 2; minus strand). Cytogenetic location: 11q13.2.
Variant type: single nucleotide variant.
Coding change: c.4054G>A on transcript NM_006946.4 (MANE Select); coding-DNA position 4054, G replaced by A.
Protein change: p.Ala1352Thr; replaces alanine 1352 with threonine.
Molecular consequence: missense variant.
Genome position (GRCh38, 1-based): chr11:66,696,501, C>T on the plus strand (G>A on the coding strand, the complement: SPTBN2 is on the minus strand). VCF-style: chr11-66696501-C-T. GRCh37 (hg19) VCF-style: chr11-66463972-C-T.
Other names: c.4075G>A, p.Ala1359Thr (NM_001411025.1); short protein forms A1359T, A1352T.
Identifiers: ClinVar variation 2963056 (VCV002963056.3), dbSNP rs750561783, ClinGen allele CA6128672.